The following is an entry in ClinVar:

NM_001365552.1(NEK5):c.1726A>G (p.Met576Val)

Gene: NEK5 (NIMA related kinase 5; minus strand). Cytogenetic location: 13q14.3.
Variant type: single nucleotide variant.
Coding change: c.1726A>G on transcript NM_001365552.1 (MANE Select); coding-DNA position 1726, A replaced by G.
Protein change: p.Met576Val; replaces methionine 576 with valine.
Molecular consequence: missense variant.
Genome position (GRCh38, 1-based): chr13:52,072,067, T>C on the plus strand (A>G on the coding strand, the complement: NEK5 is on the minus strand). VCF-style: chr13-52072067-T-C. GRCh37 (hg19) VCF-style: chr13-52646203-T-C.
Other names: c.1801A>G (NM_199289.1); c.1801A>G, p.Met601Val (NM_199289.3); short protein forms M576V, M601V.
Identifiers: ClinVar variation 2643825 (VCV002643825.25), dbSNP rs149641412, ClinGen allele CA6990626.

ClinVar aggregate classification (germline): Likely benign. Review status: criteria provided, multiple submitters, no conflicts (2 of 4 stars). 2 submissions from 2 submitters: Likely benign (2). Last evaluated 2025-08-02.

Allele frequency attached by ClinVar (database versions not stated): ExAC 0.00286; ESP Exome Variant Server 0.00300; 1000 Genomes Project 30x 0.00047; 1000 Genomes Project 0.00060; TOPMed 0.00233; gnomAD 0.00254; gnomAD exomes 0.00365.
gnomAD v4.1: 5,639 of 1,610,050 alleles (0.35%); highest among the groups gnomAD compares: Non-Finnish European, 0.43%; 12 homozygotes.

Submissions (2):

Ambry Genetics
Classification: Likely benign. Last evaluated: 2025-08-02. Review status: criteria provided, single submitter. Criteria: Ambry Variant Classification Scheme 2023. Collection method: clinical testing. Allele origin: germline.

CeGaT Center for Human Genetics Tuebingen
Classification: Likely benign. Last evaluated: 2022-11-01. Review status: criteria provided, single submitter. Criteria: CeGaT Center For Human Genetics Tuebingen Variant Classification Criteria Version 2. Collection method: clinical testing. Allele origin: germline. Affected: yes. Observed: 1 variant allele.
Comment: NEK5: BP4, BS2